The following is an entry in ClinVar:

ClinVar aggregate classification (germline): Likely pathogenic (1 of 4 stars; one submission).

Conditions:
Hereditary cancer-predisposing syndrome. Also called: Hereditary neoplastic syndrome; Neoplastic Syndromes, Hereditary; Tumor predisposition; Hereditary Cancer Syndrome. Identifiers: Orphanet 140162, MedGen C0027672, MeSH D009386, MONDO:0015356.

Submission:

Ambry Genetics
Classification: Likely pathogenic for Hereditary cancer-predisposing syndrome. Last evaluated: 2020-03-28. Review status: criteria provided, single submitter. Criteria: Ambry Variant Classification Scheme 2023. Collection method: clinical testing. Allele origin: germline.
Comment: The c.-127_196dup323 gross duplication spans the 5'UTR and part of coding exon 1 in the MSH6 gene. The exact breakpoints of the duplication were not determined; however, additional RNA analysis identified this as a tandem duplication that is predicted to result in a translational frameshift with an alternate stop codon (Ambry internal data). Based on the majority of available evidence to date, this variant is likely to be pathogenic.

NM_000179.2(MSH6):c.-127_196dup323

Genes: MSH6 (mutS homolog 6; plus strand), LOC129933706 (ATAC-STARR-seq lymphoblastoid silent region 11467; plus strand). Cytogenetic location: 2p16.3.
Variant type: Duplication.
Coding change: c.-127_196dup323 on transcript NM_000179.2; 127 bases upstream of the start codon through coding-DNA position 196, 323 bases duplicated.
Genome position (GRCh38, 1-based): chr2:47,783,107-47,783,429, 323 bases duplicated. GRCh37 (hg19): chr2:48,010,246-48,010,568.
Identifiers: ClinVar variation 1765255 (VCV001765255.2), dbSNP rs2530309710, ClinGen allele CA2580066802.